The following is an entry in ClinVar:

NM_000368.5(TSC1):c.2350C>T (p.His784Tyr)

Gene: TSC1 (TSC complex subunit 1; minus strand). Cytogenetic location: 9q34.13.
Variant type: single nucleotide variant.
Coding change: c.2350C>T on transcript NM_000368.5 (MANE Select); coding-DNA position 2350, C replaced by T.
Protein change: p.His784Tyr; replaces histidine 784 with tyrosine.
Molecular consequence: missense variant.
Genome position (GRCh38, 1-based): chr9:132,902,646, G>A on the plus strand (C>T on the coding strand, the complement: TSC1 is on the minus strand). VCF-style: chr9-132902646-G-A. GRCh37 (hg19) VCF-style: chr9-135778033-G-A.
Other names: c.2347C>T, p.His783Tyr (NM_001162426.2, NM_001406597.1, NM_001406598.1 and 4 more transcripts); c.2197C>T, p.His733Tyr (NM_001162427.2, NM_001406610.1); c.1987C>T, p.His663Tyr (NM_001362177.2, NM_001406619.1, NM_001406624.1 and 5 more transcripts); c.2350C>T, p.His784Tyr (NM_001406592.1, NM_001406593.1, NM_001406594.1 and 5 more transcripts); c.2335C>T, p.His779Tyr (NM_001406601.1, NM_001406602.1); c.2332C>T, p.His778Tyr (NM_001406603.1, NM_001406604.1); c.1984C>T, p.His662Tyr (NM_001406620.1, NM_001406621.1, NM_001406622.1 and 2 more transcripts); c.1399C>T, p.His467Tyr (NM_001406626.1); and 3 more; short protein forms H433Y, H466Y, H467Y, H662Y, H663Y, H732Y, H733Y, H778Y.
Identifiers: ClinVar variation 1719479 (VCV001719479.5), dbSNP rs2131730825, ClinGen allele CA375359337.

ClinVar aggregate classification (germline): Uncertain significance (1 of 4 stars; one submission).

Conditions:
Tuberous sclerosis 1 (TSC1). Identifiers: Orphanet 805, MedGen C1854465, MONDO:0008612, OMIM 191100.

Submission:

Labcorp Genetics (formerly Invitae), Labcorp
Classification: Uncertain significance for Tuberous sclerosis 1. Last evaluated: 2022-09-21. Review status: criteria provided, single submitter. Criteria: Invitae Variant Classification Sherloc (09022015). Collection method: clinical testing. Allele origin: germline.
Comment: This variant is not present in population databases (gnomAD no frequency). In summary, the available evidence is currently insufficient to determine the role of this variant in disease. Therefore, it has been classified as a Variant of Uncertain Significance. Advanced modeling of protein sequence and biophysical properties (such as structural, functional, and spatial information, amino acid conservation, physicochemical variation, residue mobility, and thermodynamic stability) performed at Invitae indicates that this missense variant is not expected to disrupt TSC1 protein function. This variant has not been reported in the literature in individuals affected with TSC1-related conditions. This sequence change replaces histidine, which is basic and polar, with tyrosine, which is neutral and polar, at codon 784 of the TSC1 protein (p.His784Tyr).